The following is an entry in ClinVar:

ClinVar aggregate classification (germline): Uncertain significance (1 of 4 stars; one submission).

Conditions:
Periodic fever-infantile enterocolitis-autoinflammatory syndrome. Also called: Autoinflammation with infantile enterocolitis. Identifiers: Orphanet 436166, MedGen C4015067, MONDO:0014472, OMIM 616050.
Familial cold autoinflammatory syndrome 4 (FCAS4). Identifiers: Orphanet 47045, Orphanet 576349, MedGen C4015276, MONDO:0014498, OMIM 616115.

Submission:

Labcorp Genetics (formerly Invitae), Labcorp
Classification: Uncertain significance for Periodic fever-infantile enterocolitis-autoinflammatory syndrome; Familial cold autoinflammatory syndrome 4. Last evaluated: 2024-07-31. Review status: criteria provided, single submitter. Criteria: Invitae Variant Classification Sherloc (09022015). Collection method: clinical testing. Allele origin: germline.
Comment: This sequence change replaces methionine, which is neutral and non-polar, with valine, which is neutral and non-polar, at codon 17 of the NLRC4 protein (p.Met17Val). This variant is not present in population databases (gnomAD no frequency). This variant has not been reported in the literature in individuals affected with NLRC4-related conditions. An algorithm developed to predict the effect of missense changes on protein structure and function (PolyPhen-2) suggests that this variant is likely to be tolerated. In summary, the available evidence is currently insufficient to determine the role of this variant in disease. Therefore, it has been classified as a Variant of Uncertain Significance.

NM_001199138.2(NLRC4):c.49A>G (p.Met17Val)

Gene: NLRC4 (NLR family CARD domain containing 4; minus strand). Cytogenetic location: 2p22.3.
Variant type: single nucleotide variant.
Coding change: c.49A>G on transcript NM_001199138.2 (MANE Select); coding-DNA position 49, A replaced by G.
Protein change: p.Met17Val; replaces methionine 17 with valine.
Molecular consequence: missense variant.
Genome position (GRCh38, 1-based): chr2:32,252,632, T>C on the plus strand (A>G on the coding strand, the complement: NLRC4 is on the minus strand). VCF-style: chr2-32252632-T-C. GRCh37 (hg19) VCF-style: chr2-32477701-T-C.
Other names: c.49A>G, p.Met17Val (NM_001199139.2, NM_001302504.2, NM_021209.5); short protein forms M17V.
Identifiers: ClinVar variation 3748692 (VCV003748692.2).